The following is an entry in ClinVar:

NM_001267550.2(TTN):c.47335T>C (p.Trp15779Arg)

Genes: TTN (titin; minus strand), TTN-AS1 (TTN antisense RNA 1; plus strand). Cytogenetic location: 2q31.2.
Variant type: single nucleotide variant.
Coding change: c.47335T>C on transcript NM_001267550.2 (MANE Select); coding-DNA position 47335, T replaced by C.
Protein change: p.Trp15779Arg; replaces tryptophan 15779 with arginine.
Molecular consequence: missense variant.
Genome position (GRCh38, 1-based): chr2:178,618,016, A>G on the plus strand (T>C on the coding strand, the complement: TTN is on the minus strand). VCF-style: chr2-178618016-A-G. GRCh37 (hg19) VCF-style: chr2-179482743-A-G.
Other names: c.42412T>C, p.Trp14138Arg (NM_001256850.1); c.20140T>C, p.Trp6714Arg (NM_003319.4); c.39631T>C, p.Trp13211Arg (NM_133378.4); c.20515T>C, p.Trp6839Arg (NM_133432.3); c.20716T>C, p.Trp6906Arg (NM_133437.4); short protein forms W13211R, W14138R, W15779R, W6714R, W6839R, W6906R.
Identifiers: ClinVar variation 3897211 (VCV003897211.1).

ClinVar aggregate classification (germline): Uncertain significance (1 of 4 stars; one submission).

gnomAD v4.1: 8 of 1,612,440 alleles (0.0005%); highest among the groups gnomAD compares: Admixed American, 0.0033%; no homozygotes.

Submission:

GeneDx
Classification: Uncertain significance. Last evaluated: 2024-10-28. Review status: criteria provided, single submitter. Criteria: GeneDx Variant Classification Process June 2021. Collection method: clinical testing. Allele origin: germline. Affected: yes.
Comment: Not observed at significant frequency in large population cohorts (gnomAD); Missense variant in a gene in which most reported pathogenic variants are truncating/loss of function; Has not been previously published as pathogenic or benign to our knowledge